The following is an entry in ClinVar:

ClinVar aggregate classification (germline): Uncertain significance (1 of 4 stars; one submission).

Conditions:
Neuropathy, hereditary sensory and autonomic, type 2A (HSAN2A). Also called: ACROOSTEOLYSIS, GIACCAI TYPE; ACROOSTEOLYSIS, NEUROGENIC; MORVAN DISEASE; NEUROPATHY, CONGENITAL SENSORY; NEUROPATHY, HEREDITARY SENSORY RADICULAR, AUTOSOMAL RECESSIVE; NEUROPATHY, HEREDITARY SENSORY, TYPE IIA. Identifiers: Orphanet 970, MedGen C2752089, MONDO:0024309, OMIM 201300.
Pseudohypoaldosteronism type 2C (PHA2C). Also called: Pseudohypoaldosteronism Type IIC. Identifiers: Orphanet 757, Orphanet 88940, MedGen C1840391, MONDO:0013778, OMIM 614492.

Allele frequency attached by ClinVar (database versions not stated): ExAC 0.00001; gnomAD exomes 0.00001.
gnomAD v4.1: 16 of 1,591,644 alleles (0.001%); highest among the groups gnomAD compares: Non-Finnish European, 0.0014%; no homozygotes.

Submission:

Labcorp Genetics (formerly Invitae), Labcorp
Classification: Uncertain significance for Neuropathy, hereditary sensory and autonomic, type 2A; Pseudohypoaldosteronism type 2C. Last evaluated: 2022-02-23. Review status: criteria provided, single submitter. Criteria: Invitae Variant Classification Sherloc (09022015). Collection method: clinical testing. Allele origin: germline.
Comment: This variant has not been reported in the literature in individuals affected with WNK1-related conditions. Advanced modeling of protein sequence and biophysical properties (such as structural, functional, and spatial information, amino acid conservation, physicochemical variation, residue mobility, and thermodynamic stability) performed at Invitae indicates that this missense variant is not expected to disrupt WNK1 protein function. In summary, the available evidence is currently insufficient to determine the role of this variant in disease. Therefore, it has been classified as a Variant of Uncertain Significance. This variant is present in population databases (rs776623520, gnomAD 0.001%). This sequence change replaces proline, which is neutral and non-polar, with serine, which is neutral and polar, at codon 1979 of the WNK1 protein (p.Pro1979Ser).

NM_018979.4(WNK1):c.5179C>T (p.Pro1727Ser)

Gene: WNK1 (WNK lysine deficient protein kinase 1; plus strand). Cytogenetic location: 12p13.33.
Variant type: single nucleotide variant.
Coding change: c.5179C>T on transcript NM_018979.4 (MANE Select); coding-DNA position 5179, C replaced by T.
Protein change: p.Pro1727Ser; replaces proline 1727 with serine.
Molecular consequence: missense variant.
Genome position (GRCh38, 1-based): chr12:885,983, C>T. VCF-style: chr12-885983-C-T. GRCh37 (hg19) VCF-style: chr12-995149-C-T.
Other names: c.5959C>T, p.Pro1987Ser (NM_001184985.2); c.4438C>T, p.Pro1480Ser (NM_014823.3); c.5935C>T, p.Pro1979Ser (NM_213655.5); short protein forms P1480S, P1727S, P1987S, P1979S.
Identifiers: ClinVar variation 1992077 (VCV001992077.4), dbSNP rs776623520, ClinGen allele CA6383083.